The following is an entry in ClinVar:

ClinVar aggregate classification (germline): Uncertain significance (1 of 4 stars; one submission).

Submission:

Labcorp Genetics (formerly Invitae), Labcorp
Classification: Uncertain significance. Last evaluated: 2021-06-15. Review status: criteria provided, single submitter. Criteria: Invitae Variant Classification Sherloc (09022015). Collection method: clinical testing. Allele origin: germline.
Comment: This sequence change falls in intron 28 of the LOXHD1 gene. It does not directly change the encoded amino acid sequence of the LOXHD1 protein. It affects a nucleotide within the consensus splice site of the intron. This variant is not present in population databases (ExAC no frequency). In summary, the available evidence is currently insufficient to determine the role of this variant in disease. Therefore, it has been classified as a Variant of Uncertain Significance. Nucleotide substitutions within the consensus splice site are a relatively common cause of aberrant splicing (PMID: 17576681, 9536098). Algorithms developed to predict the effect of sequence changes on RNA splicing suggest that this variant may disrupt the consensus splice site, but this prediction has not been confirmed by published transcriptional studies. This variant has not been reported in the literature in individuals with LOXHD1-related conditions.

Literature cited by the submitters: PubMed 17576681; PubMed 9536098.

NM_001384474.1(LOXHD1):c.4375+3_4375+6del

Gene: LOXHD1 (lipoxygenase homology PLAT domains 1; minus strand). Cytogenetic location: 18q21.1.
Variant type: Deletion.
Coding change: c.4375+3_4375+6del on transcript NM_001384474.1 (MANE Select); bases 3 to 6 of the intron after coding-DNA position 4375, 4 bases deleted (AAGT; older notation c.4375+3_4375+6delAAGT).
Molecular consequence: splice donor variant.
Genome position (GRCh38, 1-based): chr18:46,533,156-46,533,159, ACTT deleted on the plus strand (AAGT on the coding strand, the reverse complement: LOXHD1 is on the minus strand); deleting any 4 consecutive bases within chr18:46,533,156-46,533,162 gives the same sequence; the c. name uses the placement nearest the transcript's 3' end. VCF-style (leftmost placement, unchanged base first): chr18-46533155-CACTT-C. GRCh37 (hg19) VCF-style: chr18-44113118-CACTT-C.
Other names: c.4375+3_4375+6del (NM_144612.7); c.1042+3_1042+6del (NM_001145472.3); c.754+3_754+6del (NM_001308013.2).
Identifiers: ClinVar variation 1361328 (VCV001361328.6), dbSNP rs2144265138, ClinGen allele CA2573155280.